The following is an entry in ClinVar:

ClinVar aggregate classification (germline): Uncertain significance (1 of 4 stars; one submission).

gnomAD v4.1: 1 of 1,604,258 alleles (0.000062%); highest among the groups gnomAD compares: Non-Finnish European, 0.000085%; no homozygotes.

Submission:

Labcorp Genetics (formerly Invitae), Labcorp
Classification: Uncertain significance. Last evaluated: 2025-02-07. Review status: criteria provided, single submitter. Criteria: Invitae Variant Classification Sherloc (09022015). Collection method: clinical testing. Allele origin: germline.
Comment: This sequence change replaces valine, which is neutral and non-polar, with isoleucine, which is neutral and non-polar, at codon 568 of the TNNI3K protein (p.Val568Ile). The frequency data for this variant in the population databases is considered unreliable, as metrics indicate poor data quality at this position in the gnomAD database. This variant has not been reported in the literature in individuals affected with TNNI3K-related conditions. Invitae Evidence Modeling of protein sequence and biophysical properties (such as structural, functional, and spatial information, amino acid conservation, physicochemical variation, residue mobility, and thermodynamic stability) indicates that this missense variant is not expected to disrupt TNNI3K protein function with a negative predictive value of 80%. In summary, the available evidence is currently insufficient to determine the role of this variant in disease. Therefore, it has been classified as a Variant of Uncertain Significance.

NM_015978.3(TNNI3K):c.1702G>A (p.Val568Ile)

Genes: FPGT-TNNI3K (FPGT-TNNI3K readthrough; plus strand), TNNI3K (TNNI3 interacting kinase; plus strand). Cytogenetic location: 1p31.1.
Variant type: single nucleotide variant.
Coding change: c.1702G>A on transcript NM_015978.3 (MANE Select); coding-DNA position 1702, G replaced by A.
Protein change: p.Val568Ile; replaces valine 568 with isoleucine.
Molecular consequence: missense variant.
Genome position (GRCh38, 1-based): chr1:74,370,322, G>A. VCF-style: chr1-74370322-G-A. GRCh37 (hg19) VCF-style: chr1-74836006-G-A.
Other names: c.2005G>A, p.Val669Ile (NM_001112808.3, NM_001199327.2); short protein forms V568I, V669I.
Identifiers: ClinVar variation 4740401 (VCV004740401.1).